The following is an entry in ClinVar:

NM_025099.6(CTC1):c.2012C>G (p.Ser671Cys)

Gene: CTC1 (CST telomere replication complex component 1; minus strand). Cytogenetic location: 17p13.1.
Variant type: single nucleotide variant.
Coding change: c.2012C>G on transcript NM_025099.6 (MANE Select); coding-DNA position 2012, C replaced by G.
Protein change: p.Ser671Cys; replaces serine 671 with cysteine.
Molecular consequence: missense variant. On other transcripts: non-coding transcript variant (1).
Genome position (GRCh38, 1-based): chr17:8,232,409, G>C on the plus strand (C>G on the coding strand, the complement: CTC1 is on the minus strand). VCF-style: chr17-8232409-G-C. GRCh37 (hg19) VCF-style: chr17-8135727-G-C.
Other names: short protein forms S671C.
Identifiers: ClinVar variation 888978 (VCV000888978.7), dbSNP rs764799661, ClinGen allele CA8372202.

ClinVar aggregate classification (germline): Uncertain significance. Review status: criteria provided, multiple submitters, no conflicts (2 of 4 stars). 3 submissions from 3 submitters: Uncertain significance (3). Last evaluated 2022-07-26.

Conditions:
Dyskeratosis congenita. Identifiers: Orphanet 1775, MedGen C0265965, MONDO:0015780.
Cerebroretinal microangiopathy with calcifications and cysts 1 (CRMCC1). Identifiers: Orphanet 313838, MedGen C4552029, MONDO:0024564, OMIM 612199.

Allele frequency attached by ClinVar (database versions not stated): ExAC 0.00002; TOPMed 0.00002; gnomAD exomes 0.00003 and 0.00006.
gnomAD v4.1: 100 of 1,614,044 alleles (0.0062%); highest among the groups gnomAD compares: Non-Finnish European, 0.008%; no homozygotes.

Submissions (3):

Labcorp Genetics (formerly Invitae), Labcorp
Classification: Uncertain significance for Dyskeratosis congenita. Last evaluated: 2022-07-26. Review status: criteria provided, single submitter. Criteria: Invitae Variant Classification Sherloc (09022015). Collection method: clinical testing. Allele origin: germline.
Comment: This sequence change replaces serine, which is neutral and polar, with cysteine, which is neutral and slightly polar, at codon 671 of the CTC1 protein (p.Ser671Cys). This variant is present in population databases (rs764799661, gnomAD 0.006%). This variant has not been reported in the literature in individuals affected with CTC1-related conditions. ClinVar contains an entry for this variant (Variation ID: 888978). Algorithms developed to predict the effect of missense changes on protein structure and function are either unavailable or do not agree on the potential impact of this missense change (SIFT: "Deleterious"; PolyPhen-2: "Probably Damaging"; Align-GVGD: "Class C0"). In summary, the available evidence is currently insufficient to determine the role of this variant in disease. Therefore, it has been classified as a Variant of Uncertain Significance.

Center for Genomics, Ann and Robert H. Lurie Children's Hospital of Chicago
Classification: Uncertain significance for Cerebroretinal microangiopathy with calcifications and cysts 1. Last evaluated: 2022-01-28. Review status: criteria provided, single submitter. Criteria: ACMG Guidelines, 2015. Collection method: clinical testing. Allele origin: germline.
Comment: This variant has not been reported in the literature but is present in 0.006% (4/68032) of European alleles in the Genome Aggregation Database. It is also present in ClinVar (Variation ID:888978). Evolutionary conservation and computational predictive tools suggest that this variant may impact the protein. In summary, data on this variant is insufficient for disease classification. Therefore, the clinical significance of this variant is uncertain.

Illumina Laboratory Services, Illumina
Classification: Uncertain significance for Dyskeratosis congenita. Last evaluated: 2018-01-12. Review status: criteria provided, single submitter. Criteria: ICSL Variant Classification Criteria 13 December 2019. Collection method: clinical testing. Allele origin: germline.